The following is an entry in ClinVar:

ClinVar aggregate classification (germline): Uncertain significance (1 of 4 stars; one submission).

Conditions:
Catecholaminergic polymorphic ventricular tachycardia 1. Also called: VENTRICULAR TACHYCARDIA, STRESS-INDUCED POLYMORPHIC 1; VENTRICULAR TACHYCARDIA, CATECHOLAMINERGIC POLYMORPHIC, 1, WITH OR WITHOUT ATRIAL DYSFUNCTION AND/OR DILATED CARDIOMYOPATHY; RYR2-Related Catecholaminergic Polymorphic Ventricular Tachycardia. Identifiers: Orphanet 3286, MedGen C1631597, MONDO:0011484, OMIM 604772.

Submission:

Labcorp Genetics (formerly Invitae), Labcorp
Classification: Uncertain significance for Catecholaminergic polymorphic ventricular tachycardia 1. Last evaluated: 2023-09-13. Review status: criteria provided, single submitter. Criteria: Invitae Variant Classification Sherloc (09022015). Collection method: clinical testing. Allele origin: germline.
Comment: In summary, the available evidence is currently insufficient to determine the role of this variant in disease. Therefore, it has been classified as a Variant of Uncertain Significance. This variant is not present in population databases (gnomAD no frequency). This variant has not been reported in the literature in individuals affected with RYR2-related conditions. Advanced modeling of protein sequence and biophysical properties (such as structural, functional, and spatial information, amino acid conservation, physicochemical variation, residue mobility, and thermodynamic stability) has been performed at Invitae for this missense variant, however the output from this modeling did not meet the statistical confidence thresholds required to predict the impact of this variant on RYR2 protein function. This sequence change replaces alanine, which is neutral and non-polar, with serine, which is neutral and polar, at codon 4244 of the RYR2 protein (p.Ala4244Ser).

NM_001035.3(RYR2):c.12730G>T (p.Ala4244Ser)

Genes: RYR2 (ryanodine receptor 2; plus strand), LOC126806068 (BRD4-independent group 4 enhancer GRCh37_chr1:237947411-237948610; plus strand). Cytogenetic location: 1q43.
Variant type: single nucleotide variant.
Coding change: c.12730G>T on transcript NM_001035.3 (MANE Select); coding-DNA position 12730, G replaced by T.
Protein change: p.Ala4244Ser; replaces alanine 4244 with serine.
Molecular consequence: missense variant.
Genome position (GRCh38, 1-based): chr1:237,784,442, G>T. VCF-style: chr1-237784442-G-T. GRCh37 (hg19) VCF-style: chr1-237947742-G-T.
Other names: short protein forms A4244S.
Identifiers: ClinVar variation 2760500 (VCV002760500.3), dbSNP rs2527790755, ClinGen allele CA345414012.